The following is an entry in ClinVar:

ClinVar aggregate classification (germline): Uncertain significance (1 of 4 stars; one submission).

Submission:

Labcorp Genetics (formerly Invitae), Labcorp
Classification: Uncertain significance. Last evaluated: 2022-06-14. Review status: criteria provided, single submitter. Criteria: Invitae Variant Classification Sherloc (09022015). Collection method: clinical testing. Allele origin: germline.
Comment: In summary, the available evidence is currently insufficient to determine the role of this variant in disease. Therefore, it has been classified as a Variant of Uncertain Significance. Algorithms developed to predict the effect of missense changes on protein structure and function (SIFT, PolyPhen-2, Align-GVGD) all suggest that this variant is likely to be disruptive. This variant has not been reported in the literature in individuals affected with FAT4-related conditions. This variant is not present in population databases (gnomAD no frequency). This sequence change replaces glycine, which is neutral and non-polar, with cysteine, which is neutral and slightly polar, at codon 871 of the FAT4 protein (p.Gly871Cys).

NM_001291303.3(FAT4):c.2611G>T (p.Gly871Cys)

Gene: FAT4 (FAT atypical cadherin 4; plus strand). Cytogenetic location: 4q28.1.
Variant type: single nucleotide variant.
Coding change: c.2611G>T on transcript NM_001291303.3 (MANE Select); coding-DNA position 2611, G replaced by T.
Protein change: p.Gly871Cys; replaces glycine 871 with cysteine.
Molecular consequence: missense variant.
Genome position (GRCh38, 1-based): chr4:125,319,022, G>T. VCF-style: chr4-125319022-G-T. GRCh37 (hg19) VCF-style: chr4-126240177-G-T.
Other names: c.2611G>T, p.Gly871Cys (NM_001291285.3, NM_024582.6); short protein forms G871C.
Identifiers: ClinVar variation 2006238 (VCV002006238.2), dbSNP rs1463738488, ClinGen allele CA358120707.